The following is an entry in ClinVar:

ClinVar aggregate classification (germline): Uncertain significance (1 of 4 stars; one submission).

Allele frequency attached by ClinVar (database versions not stated): TOPMed 0.00003.
gnomAD v4.1: 8 of 1,614,036 alleles (0.0005%); highest among the groups gnomAD compares: African/African-American, 0.0093%; no homozygotes.

Submission:

GeneDx
Classification: Uncertain significance. Last evaluated: 2019-12-06. Review status: criteria provided, single submitter. Criteria: GeneDx Variant Classification Process June 2021. Collection method: clinical testing. Allele origin: germline. Affected: yes.
Comment: In silico analysis, which includes protein predictors and evolutionary conservation, supports that this variant does not alter protein structure/function; Occurs in the triple helical domain at the Y position in the canonical Gly-X-Y repeat. This variant may have an effect on normal protein folding and function, though missense substitution at the Y position is not a common mechanism of disease.; Has not been previously published as pathogenic or benign to our knowledge

NM_000089.4(COL1A2):c.718G>T (p.Val240Leu)

Gene: COL1A2 (collagen type I alpha 2 chain; plus strand). Cytogenetic location: 7q21.3.
Variant type: single nucleotide variant.
Coding change: c.718G>T on transcript NM_000089.4 (MANE Select); coding-DNA position 718, G replaced by T.
Protein change: p.Val240Leu; replaces valine 240 with leucine.
Molecular consequence: missense variant.
Genome position (GRCh38, 1-based): chr7:94,408,360, G>T. VCF-style: chr7-94408360-G-T. GRCh37 (hg19) VCF-style: chr7-94037672-G-T.
Other names: short protein forms V240L.
Identifiers: ClinVar variation 1311034 (VCV001311034.2), dbSNP rs775599249, ClinGen allele CA162918319.